The following is an entry in ClinVar:

ClinVar aggregate classification (germline): Conflicting classifications of pathogenicity. Review status: criteria provided, conflicting classifications (1 of 4 stars). 5 submissions from 5 submitters: Uncertain significance (1); Benign (2); Likely benign (1). 1 of the submissions does not count toward it. Last evaluated 2026-01-31.

Conditions:
Autosomal recessive nonsyndromic hearing loss 77. Identifiers: Orphanet 90636, MedGen C2746083, MONDO:0013119, OMIM 613079.

Allele frequency attached by ClinVar (database versions not stated): gnomAD exomes 0.00069 and 0.00152; ExAC 0.00301; gnomAD 0.00715 and 0.00777; ESP Exome Variant Server 0.00810; 1000 Genomes Project 0.00819; 1000 Genomes Project 30x 0.00828; TOPMed 0.00828.
gnomAD v4.1: 2,100 of 1,551,826 alleles (0.14%); highest among the groups gnomAD compares: African/African-American, 2.6%; 30 homozygotes.

Submissions (5):

Labcorp Genetics (formerly Invitae), Labcorp
Classification: Benign. Last evaluated: 2026-01-31. Review status: criteria provided, single submitter. Criteria: Invitae Variant Classification Sherloc (09022015). Collection method: clinical testing. Allele origin: germline.

GeneDx
Classification: Likely benign. Last evaluated: 2018-04-24. Review status: criteria provided, single submitter. Criteria: GeneDx Variant Classification (06012015). Collection method: clinical testing. Allele origin: germline. Affected: yes.
Comment: This variant is considered likely benign or benign based on one or more of the following criteria: it is a conservative change, it occurs at a poorly conserved position in the protein, it is predicted to be benign by multiple in silico algorithms, and/or has population frequency not consistent with disease.

Illumina Laboratory Services, Illumina
Classification: Uncertain significance for Autosomal recessive nonsyndromic hearing loss 77. Last evaluated: 2018-01-13. Review status: criteria provided, single submitter. Criteria: ICSL Variant Classification Criteria 13 December 2019. Collection method: clinical testing. Allele origin: germline.

Laboratory for Molecular Medicine, Mass General Brigham Personalized Medicine
Classification: Benign. Last evaluated: 2012-05-07. Review status: criteria provided, single submitter. Criteria: LMM Criteria. Collection method: clinical testing. Allele origin: germline. Observed: 5 variant alleles.
Comment: Asp676Gly in Exon 15 of LOXHD1: This variant is not expected to have clinical si gnificance because it has been identified in 6.8% (5/74) of chromosomes from a p opulation in the dbSNP database (rs169 78578).

Natera, Inc.
Classification: Benign for Autosomal recessive deafness type 77. Last evaluated: 2019-10-18. Review status: no assertion criteria provided. Collection method: clinical testing. Allele origin: germline. Not counted in ClinVar's aggregate classification.

NM_001384474.1(LOXHD1):c.2027A>G (p.Asp676Gly)

Gene: LOXHD1 (lipoxygenase homology PLAT domains 1; minus strand). Cytogenetic location: 18q21.1.
Variant type: single nucleotide variant.
Coding change: c.2027A>G on transcript NM_001384474.1 (MANE Select); coding-DNA position 2027, A replaced by G.
Protein change: p.Asp676Gly; replaces aspartic acid 676 with glycine.
Molecular consequence: missense variant.
Genome position (GRCh38, 1-based): chr18:46,572,106, T>C on the plus strand (A>G on the coding strand, the complement: LOXHD1 is on the minus strand). VCF-style: chr18-46572106-T-C. GRCh37 (hg19) VCF-style: chr18-44152069-T-C.
Other names: c.2027A>G, p.Asp676Gly (NM_144612.7); short protein forms D676G.
Identifiers: ClinVar variation 226712 (VCV000226712.22), dbSNP rs16978578, ClinGen allele CA8952725.